The following is an entry in ClinVar:

NM_016507.4(CDK12):c.3784C>T (p.Pro1262Ser)

Gene: CDK12 (cyclin dependent kinase 12; plus strand). Cytogenetic location: 17q12.
Variant type: single nucleotide variant.
Coding change: c.3784C>T on transcript NM_016507.4 (MANE Select); coding-DNA position 3784, C replaced by T.
Protein change: p.Pro1262Ser; replaces proline 1262 with serine.
Molecular consequence: missense variant. On other transcripts: intron variant (1).
Genome position (GRCh38, 1-based): chr17:39,530,627, C>T. VCF-style: chr17-39530627-C-T. GRCh37 (hg19) VCF-style: chr17-37686880-C-T.
Other names: c.3761-4C>T (NM_015083.4); short protein forms P1262S.
Identifiers: ClinVar variation 3830380 (VCV003830380.1).

ClinVar aggregate classification (germline): Uncertain significance (1 of 4 stars; one submission).

gnomAD v4.1: 4 of 1,602,892 alleles (0.00025%); highest among the groups gnomAD compares: Non-Finnish European, 0.000085%; no homozygotes.

Submission:

Ambry Genetics
Classification: Uncertain significance. Last evaluated: 2024-12-20. Review status: criteria provided, single submitter. Criteria: Ambry Variant Classification Scheme 2023. Collection method: clinical testing. Allele origin: germline.
Comment: The p.P1262S variant (also known as c.3784C>T), located in coding exon 14 of the CDK12 gene, results from a C to T substitution at nucleotide position 3784. The proline at codon 1262 is replaced by serine, an amino acid with similar properties. This amino acid position is conserved. In addition, the in silico prediction for this alteration is inconclusive. Based on the available evidence, the clinical significance of this variant remains unclear.